The following is an entry in ClinVar:

ClinVar aggregate classification (germline): Uncertain significance (1 of 4 stars; one submission).

Conditions:
Cardiomyopathy (CMYO). Also called: Cardiomyopathies. Identifiers: Orphanet 167848, MedGen C0878544, MONDO:0004994, HP:0001638. Inheritance: Various modes of inheritance.

Submission:

All of Us Research Program, National Institutes of Health
Classification: Uncertain significance for Cardiomyopathy. Last evaluated: 2024-05-14. Review status: criteria provided, single submitter. Criteria: ACMG Guidelines, 2015. Collection method: clinical testing. Allele origin: germline. Inheritance: Autosomal dominant inheritance. Observed: 1 variant allele, 1 heterozygote.
Comment: This missense variant replaces aspartic acid with asparagine at codon 1857 of the MYH7 protein. Computational prediction tools indicate that this variant has a deleterious impact on protein structure and function. To our knowledge, functional studies have not been reported for this variant. This variant has not been reported in individuals affected with MYH7-related disorders in the literature. This variant has not been identified in the general population by the Genome Aggregation Database (gnomAD). The available evidence is insufficient to determine the role of this variant in disease conclusively. Therefore, this variant is classified as a Variant of Uncertain Significance.

This study involves interpretation of variants in research participants for the purpose of population health screening. Participant phenotype was not available at the time of variant classification. Additional details can be found in publication PMID: 35346344, PMCID: PMC8962531

NM_000257.4(MYH7):c.5569G>A (p.Asp1857Asn)

Gene: MYH7 (myosin heavy chain 7; minus strand). Cytogenetic location: 14q11.2.
Variant type: single nucleotide variant.
Coding change: c.5569G>A on transcript NM_000257.4 (MANE Select); coding-DNA position 5569, G replaced by A.
Protein change: p.Asp1857Asn; replaces aspartic acid 1857 with asparagine.
Molecular consequence: missense variant.
Genome position (GRCh38, 1-based): chr14:23,414,093, C>T on the plus strand (G>A on the coding strand, the complement: MYH7 is on the minus strand). VCF-style: chr14-23414093-C-T. GRCh37 (hg19) VCF-style: chr14-23883302-C-T.
Other names: c.5569G>A, p.Asp1857Asn (NM_001407004.1); short protein forms D1857N.
Identifiers: ClinVar variation 3387277 (VCV003387277.1).
Genomic context (GRCh38, chr14:23,414,093, plus strand): 5'-CCTTGACCTTTAGCTGCAGCTTGTCTACCAGGTCCTGCAGCCGCAGCAGGTTTTTCCTGT[C>T]CTCCTCCGTCTGGGGGCCAGAGGGTAGGCAGGGGGTGAAGATGGCACAGTCATAGAAGGT-3'
Protein context (NP_000248.2, residues 1847-1867): IKELTYQTEE[Asp1857Asn]RKNLLRLQDL